The following is an entry in ClinVar:

NM_000152.5(GAA):c.1636+1G>C

Gene: GAA (alpha glucosidase; plus strand). Cytogenetic location: 17q25.3.
Variant type: single nucleotide variant.
Coding change: c.1636+1G>C on transcript NM_000152.5 (MANE Select); the canonical splice donor site of the intron after coding-DNA position 1636, G replaced by C.
Molecular consequence: splice donor variant.
Genome position (GRCh38, 1-based): chr17:80,111,026, G>C. VCF-style: chr17-80111026-G-C. GRCh37 (hg19) VCF-style: chr17-78084825-G-C.
Other names: c.1636+1G>C (NM_001406741.1, NM_001406742.1, NM_001079803.3 and 1 more transcripts).
Identifiers: ClinVar variation 4876269 (VCV004876269.1).

ClinVar aggregate classification (germline): Pathogenic (1 of 4 stars; one submission).

Conditions:
Glycogen storage disease, type II (IOPD). Also called: Pompe Disease; CARDIOMEGALIA GLYCOGENICA DIFFUSA; GLYCOGENOSIS, GENERALIZED, CARDIAC FORM; GSD II; POMPE DISEASE, INFANTILE-ONSET; GLYCOGEN STORAGE DISEASE II, INFANTILE-ONSET. Identifiers: Orphanet 365, MedGen C0017921, MONDO:0009290, OMIM 232300.

Submission:

Genomenon, Inc
Classification: Pathogenic for Glycogen storage disease, type II. Last evaluated: 2026-07-01. Review status: criteria provided, single submitter. Criteria: Genomenon Sequence Variant Interpretation Standards - Updated. Collection method: curation. Allele origin: germline. Affected: yes.
Comment: GAA c.1636+1G>C is a canonical splice variant affecting the donor splice site of intron 11. It is predicted to affect mRNA splicing, leading to a deleterious effect on the GAA protein. This variant has been observed in at least one proband with a GAA-related disorder (PMID:31619483). It is absent or not present at a significant frequency in gnomAD. In conclusion, we classify GAA c.1636+1G>C as a pathogenic variant.

Literature cited by the submitters: PubMed 31619483.